The following is an entry in ClinVar:

NM_182746.3(MCM4):c.1963G>A (p.Asp655Asn)

Gene: MCM4 (minichromosome maintenance complex component 4; plus strand). Cytogenetic location: 8q11.21.
Variant type: single nucleotide variant.
Coding change: c.1963G>A on transcript NM_182746.3 (MANE Select); coding-DNA position 1963, G replaced by A.
Protein change: p.Asp655Asn; replaces aspartic acid 655 with asparagine.
Molecular consequence: missense variant.
Genome position (GRCh38, 1-based): chr8:47,972,891, G>A. VCF-style: chr8-47972891-G-A. GRCh37 (hg19) VCF-style: chr8-48885451-G-A.
Other names: c.1963G>A (NM_005914.3); c.1963G>A, p.Asp655Asn (NM_005914.4); short protein forms D655N.
Identifiers: ClinVar variation 2106039 (VCV002106039.5), dbSNP rs2090967849, ClinGen allele CA371154137.

ClinVar aggregate classification (germline): Uncertain significance. Review status: criteria provided, multiple submitters, no conflicts (2 of 4 stars). 2 submissions from 2 submitters: Uncertain significance (2). Last evaluated 2025-08-01.

Allele frequency attached by ClinVar (database versions not stated): TOPMed below 0.00001; gnomAD 0.00001; gnomAD exomes 0.00001.
gnomAD v4.1: 17 of 1,614,006 alleles (0.0011%); highest among the groups gnomAD compares: Non-Finnish European, 0.0012%; no homozygotes.

Submissions (2):

Ambry Genetics
Classification: Uncertain significance. Last evaluated: 2025-08-01. Review status: criteria provided, single submitter. Criteria: Ambry Variant Classification Scheme 2023. Collection method: clinical testing. Allele origin: germline.

Labcorp Genetics (formerly Invitae), Labcorp
Classification: Uncertain significance. Last evaluated: 2023-12-08. Review status: criteria provided, single submitter. Criteria: Invitae Variant Classification Sherloc (09022015). Collection method: clinical testing. Allele origin: germline.
Comment: This sequence change replaces aspartic acid, which is acidic and polar, with asparagine, which is neutral and polar, at codon 655 of the MCM4 protein (p.Asp655Asn). This variant is not present in population databases (gnomAD no frequency). This variant has not been reported in the literature in individuals affected with MCM4-related conditions. ClinVar contains an entry for this variant (Variation ID: 2106039). Advanced modeling of protein sequence and biophysical properties (such as structural, functional, and spatial information, amino acid conservation, physicochemical variation, residue mobility, and thermodynamic stability) performed at Invitae indicates that this missense variant is not expected to disrupt MCM4 protein function with a negative predictive value of 80%. In summary, the available evidence is currently insufficient to determine the role of this variant in disease. Therefore, it has been classified as a Variant of Uncertain Significance.